The following is an entry in ClinVar:

ClinVar aggregate classification (germline): Uncertain significance. Review status: criteria provided, multiple submitters, no conflicts (2 of 4 stars). 2 submissions from 2 submitters: Uncertain significance (2). Last evaluated 2022-06-20.

Conditions:
Megaconial type congenital muscular dystrophy (MDCMC). Also called: MUSCULAR DYSTROPHY, CONGENITAL, WITH MITOCHONDRIAL STRUCTURAL ABNORMALITIES; CHKB-Related Muscle Diseases; CHKB-Related Muscular Dystrophy. Identifiers: Orphanet 280671, MedGen C1865233, MONDO:0011246, OMIM 602541.

Allele frequency attached by ClinVar (database versions not stated): gnomAD 0.00001 and 0.00004; gnomAD exomes 0.00002; ExAC 0.00003; TOPMed 0.00003.
gnomAD v4.1: 48 of 1,614,042 alleles (0.003%); highest among the groups gnomAD compares: East Asian, 0.094%; no homozygotes.

Submissions (2):

Labcorp Genetics (formerly Invitae), Labcorp
Classification: Uncertain significance for Megaconial type congenital muscular dystrophy. Last evaluated: 2022-06-20. Review status: criteria provided, single submitter. Criteria: Invitae Variant Classification Sherloc (09022015). Collection method: clinical testing. Allele origin: germline.
Comment: This sequence change replaces serine, which is neutral and polar, with cysteine, which is neutral and slightly polar, at codon 231 of the CHKB protein (p.Ser231Cys). This variant is present in population databases (rs199783402, gnomAD 0.03%). This variant has not been reported in the literature in individuals affected with CHKB-related conditions. ClinVar contains an entry for this variant (Variation ID: 342174). Algorithms developed to predict the effect of missense changes on protein structure and function are either unavailable or do not agree on the potential impact of this missense change (SIFT: "Deleterious"; PolyPhen-2: "Possibly Damaging"; Align-GVGD: "Class C0"). In summary, the available evidence is currently insufficient to determine the role of this variant in disease. Therefore, it has been classified as a Variant of Uncertain Significance.

Illumina Laboratory Services, Illumina
Classification: Uncertain significance for Megaconial type congenital muscular dystrophy. Last evaluated: 2018-01-12. Review status: criteria provided, single submitter. Criteria: ICSL Variant Classification Criteria 13 December 2019. Collection method: clinical testing. Allele origin: germline.

NM_005198.5(CHKB):c.692C>G (p.Ser231Cys)

Genes: CHKB (choline kinase beta; minus strand), CHKB-CPT1B (CHKB-CPT1B readthrough (NMD candidate); minus strand). Cytogenetic location: 22q13.33.
Variant type: single nucleotide variant.
Coding change: c.692C>G on transcript NM_005198.5 (MANE Select); coding-DNA position 692, C replaced by G.
Protein change: p.Ser231Cys; replaces serine 231 with cysteine.
Molecular consequence: missense variant. On other transcripts: non-coding transcript variant (1).
Genome position (GRCh38, 1-based): chr22:50,580,402, G>C on the plus strand (C>G on the coding strand, the complement: CHKB is on the minus strand). VCF-style: chr22-50580402-G-C. GRCh37 (hg19) VCF-style: chr22-51018831-G-C.
Other names: short protein forms S231C.
Identifiers: ClinVar variation 342174 (VCV000342174.12), dbSNP rs199783402, ClinGen allele CA10323679.
Genomic context (GRCh38, chr22:50,580,402, plus strand): 5'-AGATGCCTTCTCCTACCTTCCTGGATGTCATTGTGGCAGAAGACGACTGGCGATGGGGTA[G>C]ACTCTAGTAACTTCCTACAGGGGTATGGGAGCATGGGTCCTGAGCAGGAGTGACTAGAGG-3'
Protein context (NP_005189.2, residues 221-241): EMGNLRKLLE[Ser231Cys]TPSPVVFCHN